The following is an entry in ClinVar:

ClinVar aggregate classification (germline): Pathogenic. Review status: reviewed by expert panel (3 of 4 stars). 8 submissions from 8 submitters: Pathogenic (1). 7 of the submissions do not count toward it. Last evaluated 2025-01-08.

Conditions:
Autosomal recessive limb-girdle muscular dystrophy. Identifiers: Orphanet 102015, MedGen C2931907, MONDO:0015152.
Distal myopathy with anterior tibial onset. Identifiers: Orphanet 178400, MedGen C1847532, MONDO:0011721, OMIM 606768.
Autosomal recessive limb-girdle muscular dystrophy type 2B (LGMDR2). Also called: Limb-Girdle Muscular Dystrophy Type 2B (LGMD2B); MUSCULAR DYSTROPHY, LIMB-GIRDLE, AUTOSOMAL RECESSIVE 2; Limb-girdle muscular dystrophy, type 2B; MUSCULAR DYSTROPHY, LIMB-GIRDLE, TYPE 3. Identifiers: Orphanet 268, MedGen C1850889, MONDO:0009676, OMIM 253601.
Miyoshi muscular dystrophy 1 (MMD1). Identifiers: Orphanet 45448, MedGen C4551973, MONDO:0024545, OMIM 254130.
Neuromuscular disease caused by qualitative or quantitative defects of dysferlin. Also called: Dysferlinopathy; Qualitative or quantitative defects of dysferlin. Identifiers: Orphanet 207073, MedGen C2931687, MONDO:0016145.

Submissions (8):

ClinGen Limb Girdle Muscular Dystrophy Variant Curation Expert Panel, ClinGen
Classification: Pathogenic for Autosomal recessive limb-girdle muscular dystrophy. Last evaluated: 2025-01-08. Review status: reviewed by expert panel. Criteria: ClinGen LGMD VCEP ACMG Specifications DYSF V1.0.0. Collection method: curation. Allele origin: germline. Inheritance: Autosomal recessive inheritance.
Comment: The NM_003494.4: c.855+1del variant in DYSF, which is also known as NM_001130987.2: c.951+1del, occurs within the canonical splice donor site of intron 8. It is predicted to cause skipping of biologically relevant exon 8/55, resulting in an in-frame deletion of 21 amino acids (PVS1_Moderate). RNAseq data has confirmed that this variant results in in aberrant splicing, suggesting use of an alternative acceptor site that deletes the first basepair of DYSF exon 9 and leads to a frameshift and premature truncation p.(Val286TrpfsTer2) (PMID: 36983702). This variant has been detected in at least 12 individuals with limb girdle muscular dystrophy (PMID: 20544924, 17828519, 18853459, 36983702). Of those individuals, at least two were compound heterozygous for the variant and a pathogenic variant (c.3504dup p.(Lys1169GlnfsTer6), 1.0 pt, PMID: 20544924; c.3126G>A p.(Trp1024Ter): 1.0 pt, PMID: 18853459), and at least one was homozygous (0.25 pts, PMID: 18853459) (PM3_Strong). At least one patient with this variant displayed progressive limb-girdle muscle weakness and absent dysferlin protein expression, which is highly specific for DYSF-associated LGMD (PP4_Strong, PMID: 18853459, 36983702). The variant was also reported to co-segregate with the disease in two affected family members from two families (PMID: 18853459) (PP1, capped with PP4_Strong). The filtering allele frequency of the variant is 0.0009441 for Admixed American genome alleles in gnomAD v3.1.2 (the upper threshold of the 95% CI of 8/15286), which is greater than the LGMD VCEP threshold (<0.0001) for PM2_Supporting (criterion not met). In summary, this variant meets the criteria to be classified as Pathogenic for autosomal recessive limb girdle muscular dystrophy based on the ACMG/AMP criteria applied, as specified by the ClinGen LGMD VCEP (LGMD VCEP specifications version 1.0.0; 01/08/2025): PVS1_Moderate, PM3_Strong, PP4_Strong, PP1.

GeneDx
Classification: Pathogenic. Last evaluated: 2026-05-19. Review status: criteria provided, single submitter. Criteria: GeneDx Variant Classification Process June 2021. Collection method: clinical testing. Allele origin: germline. Not counted in ClinVar's aggregate classification.
Comment: Canonical splice site variant predicted to result in a null allele in a gene for which loss of function is a known mechanism of disease (PMID: 36983702); Not observed at significant frequency in large population cohorts (gnomAD); This variant is associated with the following publications: (PMID: 19528035, 16010686, 32403337, 33610434, 33715265, 33927379, 39678382, 18306167, 17698709, 18853459, 16705711, 20544924, 41824290, 17828519, 36983702)

Natera, Inc.
Classification: Pathogenic for Limb-girdle muscular dystrophy type 2B. Last evaluated: 2025-10-13. Review status: criteria provided, single submitter. Criteria: Natera Variant Classification Schema (03/2026). Collection method: clinical testing. Allele origin: germline. Not counted in ClinVar's aggregate classification.
Comment: The c.855+1delG variant in DYSF is a canonical splice donor site variant predicted to affect pre-mRNA splicing, which may result in an abnormal transcript and altered protein product. This variant is expected to result in nonsense mediated decay, truncation, or a dysfunctional protein product. This variant is rare in the general population with a frequency below the threshold expected for the associated phenotype(s). This variant has been observed in one or more individuals affected with the associated recessive disease, as either homozygous or compound heterozygous with a second variant (PMID: 18853459). Additionally, this variant has been observed to segregate in affected family members (PMID: 18853459). Given the available evidence, this variant is classified as Pathogenic.

Labcorp Genetics (formerly Invitae), Labcorp
Classification: Pathogenic for Neuromuscular disease caused by qualitative or quantitative defects of dysferlin. Last evaluated: 2025-10-02. Review status: criteria provided, single submitter. Criteria: Invitae Variant Classification Sherloc (09022015). Collection method: clinical testing. Allele origin: germline. Not counted in ClinVar's aggregate classification.
Comment: This sequence change affects a splice site in intron 8 of the DYSF gene. It is expected to disrupt RNA splicing. Variants that disrupt the donor or acceptor splice site typically lead to a loss of protein function (PMID: 16199547), and loss-of-function variants in DYSF are known to be pathogenic (PMID: 17698709, 20301480). This variant is present in population databases (rs786200898, gnomAD 0.009%). Disruption of this splice site has been observed in individual(s) with dysferlin deficient muscular dystrophy (PMID: 16010686, 18306167, 19528035). It has also been observed to segregate with disease in related individuals. ClinVar contains an entry for this variant (Variation ID: 6684). Algorithms developed to predict the effect of sequence changes on RNA splicing suggest that this variant may disrupt the consensus splice site. For these reasons, this variant has been classified as Pathogenic.

Baylor Genetics
Classification: Pathogenic for Miyoshi muscular dystrophy 1. Last evaluated: 2024-03-21. Review status: criteria provided, single submitter. Criteria: ACMG Guidelines, 2015. Collection method: clinical testing. Allele origin: unknown. Not counted in ClinVar's aggregate classification.

Fulgent Genetics
Classification: Pathogenic for Autosomal recessive limb-girdle muscular dystrophy type 2B; Miyoshi muscular dystrophy 1; Distal myopathy with anterior tibial onset. Last evaluated: 2024-03-13. Review status: criteria provided, single submitter. Criteria: ACMG Guidelines, 2015. Collection method: clinical testing. Allele origin: germline. Not counted in ClinVar's aggregate classification.

Women's Health and Genetics/Laboratory Corporation of America, LabCorp
Classification: Pathogenic for Autosomal recessive limb-girdle muscular dystrophy. Last evaluated: 2024-03-13. Review status: criteria provided, single submitter. Criteria: LabCorp Variant Classification Summary - May 2015. Collection method: clinical testing. Allele origin: germline. Not counted in ClinVar's aggregate classification.
Comment: Variant summary: DYSF c.855+1delG is located in a canonical splice-site and is predicted to affect mRNA splicing resulting in a significantly altered protein due to either exon skipping, shortening, or inclusion of intronic material. Several computational tools predict a significant impact on normal splicing: Four predict the variant abolishes a canonical 5' splicing donor site. Three predict the variant creates a 5' donor site. At least one publication reports experimental evidence that this variant mRNA was absent in patient cells (Wenzel_2006), suggesting it undergoes nonsense mediated decay. The variant allele was found at a frequency of 8e-06 in 251384 control chromosomes (gnomAD). c.855+1delG has been reported in the literature in multiple individuals affected with Limb-Girdle Muscular Dystrophy, Autosomal Recessive (e.g. Wenzel_2006, Krahn_2009). These data indicate that the variant is very likely to be associated with disease. The following publications have been ascertained in the context of this evaluation (PMID: 16705711, 18853459). ClinVar contains an entry for this variant (Variation ID: 6684). Based on the evidence outlined above, the variant was classified as pathogenic.

OMIM
Classification: Pathogenic for MUSCULAR DYSTROPHY, LIMB-GIRDLE, AUTOSOMAL RECESSIVE 2. Last evaluated: 2008-03-01. Review status: no assertion criteria provided. Collection method: literature only. Allele origin: germline. Not counted in ClinVar's aggregate classification.

Literature cited by the submitters: PubMed 18853459 (cited by Natera, Inc. and Women's Health and Genetics/Laboratory Corporation of America, LabCorp); PubMed 16199547 (cited by Labcorp Genetics (formerly Invitae), Labcorp); PubMed 17698709 (cited by Labcorp Genetics (formerly Invitae), Labcorp); PubMed 20301480 (cited by Labcorp Genetics (formerly Invitae), Labcorp); PubMed 16010686 (cited by Labcorp Genetics (formerly Invitae), Labcorp); PubMed 18306167 (cited by Labcorp Genetics (formerly Invitae), Labcorp and OMIM); PubMed 19528035 (cited by Labcorp Genetics (formerly Invitae), Labcorp); PubMed 16705711 (cited by Women's Health and Genetics/Laboratory Corporation of America, LabCorp).

NM_001130987.2(DYSF):c.951+1del

Gene: DYSF (dysferlin; plus strand). Cytogenetic location: 2p13.2.
Variant type: Deletion.
Coding change: c.951+1del on transcript NM_001130987.2 (MANE Select); the canonical splice donor site of the intron after coding-DNA position 951, one base deleted (G; older notation c.951+1delG).
Molecular consequence: splice donor variant.
Genome position (GRCh38, 1-based): chr2:71,516,243, G deleted; the last of 2 consecutive G bases (chr2:71,516,242-71,516,243); deleting either gives the same sequence. VCF-style (leftmost placement, unchanged base first): chr2-71516241-CG-C. GRCh37 (hg19) VCF-style: chr2-71743371-CG-C.
Other names: c.948+1del (NM_001130979.2, NM_001130981.2, NM_001130980.2); c.855+1del (NM_001130978.2, NM_003494.4, NM_001130977.2 and 1 more transcripts); c.951+1del (NM_001130982.2, NM_001130985.2); c.858+1del (NM_001130983.2, NM_001130455.2, NM_001130984.2 and 1 more transcripts); c.855+1delG (NM_003494.4, NM_003494.3); c.855del (NM_003494.4).
Identifiers: ClinVar variation 6684 (VCV000006684.19), dbSNP rs786200898, ClinGen allele CA253921.